The following is an entry in ClinVar:

ClinVar aggregate classification (germline): Uncertain significance (1 of 4 stars; one submission).

Allele frequency attached by ClinVar (database versions not stated): ExAC 0.00001; 1000 Genomes Project 30x 0.00031.

Submission:

Labcorp Genetics (formerly Invitae), Labcorp
Classification: Uncertain significance. Last evaluated: 2022-02-06. Review status: criteria provided, single submitter. Criteria: Invitae Variant Classification Sherloc (09022015). Collection method: clinical testing. Allele origin: germline.
Comment: In summary, the available evidence is currently insufficient to determine the role of this variant in disease. Therefore, it has been classified as a Variant of Uncertain Significance. Algorithms developed to predict the effect of missense changes on protein structure and function (SIFT, PolyPhen-2, Align-GVGD) all suggest that this variant is likely to be disruptive. This variant has not been reported in the literature in individuals affected with FAT4-related conditions. The frequency data for this variant in the population databases is considered unreliable, as metrics indicate poor data quality at this position in the gnomAD database. This sequence change replaces glycine, which is neutral and non-polar, with valine, which is neutral and non-polar, at codon 4364 of the FAT4 protein (p.Gly4364Val).

NM_001291303.3(FAT4):c.13097G>T (p.Gly4366Val)

Gene: FAT4 (FAT atypical cadherin 4; plus strand). Cytogenetic location: 4q28.1.
Variant type: single nucleotide variant.
Coding change: c.13097G>T on transcript NM_001291303.3 (MANE Select); coding-DNA position 13097, G replaced by T.
Protein change: p.Gly4366Val; replaces glycine 4366 with valine.
Molecular consequence: missense variant.
Genome position (GRCh38, 1-based): chr4:125,489,913, G>T. VCF-style: chr4-125489913-G-T. GRCh37 (hg19) VCF-style: chr4-126411068-G-T.
Other names: c.13094G>T, p.Gly4365Val (NM_001291285.3); c.13091G>T, p.Gly4364Val (NM_024582.6); short protein forms G4365V, G4366V, G4364V.
Identifiers: ClinVar variation 1935846 (VCV001935846.5), dbSNP rs201430260, ClinGen allele CA3074298.